The following is an entry in ClinVar:

NM_033641.4(COL4A6):c.4389G>A (p.Met1463Ile)

Gene: COL4A6 (collagen type IV alpha 6 chain; minus strand). Cytogenetic location: Xq22.3.
Variant type: single nucleotide variant.
Coding change: c.4389G>A on transcript NM_033641.4 (MANE Select); coding-DNA position 4389, G replaced by A.
Protein change: p.Met1463Ile; replaces methionine 1463 with isoleucine.
Molecular consequence: missense variant.
Genome position (GRCh38, 1-based): chrX:108,160,599, C>T on the plus strand (G>A on the coding strand, the complement: COL4A6 is on the minus strand). VCF-style: chrX-108160599-C-T. GRCh37 (hg19) VCF-style: chrX-107403829-C-T.
Other names: c.4440G>A, p.Met1480Ile (NM_001287758.2); c.4317G>A, p.Met1439Ile (NM_001287759.2); c.4218G>A, p.Met1406Ile (NM_001287760.2); c.4392G>A, p.Met1464Ile (NM_001847.4); short protein forms M1406I, M1463I, M1439I, M1464I, M1480I.
Identifiers: ClinVar variation 3630608 (VCV003630608.2).

ClinVar aggregate classification (germline): Uncertain significance (1 of 4 stars; one submission).

Submission:

Labcorp Genetics (formerly Invitae), Labcorp
Classification: Uncertain significance. Last evaluated: 2025-11-24. Review status: criteria provided, single submitter. Criteria: Invitae Variant Classification Sherloc (09022015). Collection method: clinical testing. Allele origin: germline.
Comment: This sequence change replaces methionine, which is neutral and non-polar, with isoleucine, which is neutral and non-polar, at codon 1464 of the COL4A6 protein (p.Met1464Ile). This variant is present in population databases (rs768504005, gnomAD 0.03%). This variant has not been reported in the literature in individuals affected with COL4A6-related conditions. ClinVar contains an entry for this variant (Variation ID: 3630608). Invitae Evidence Modeling of protein sequence and biophysical properties (such as structural, functional, and spatial information, amino acid conservation, physicochemical variation, residue mobility, and thermodynamic stability) indicates that this missense variant is not expected to disrupt COL4A6 protein function with a negative predictive value of 80%. In summary, the available evidence is currently insufficient to determine the role of this variant in disease. Therefore, it has been classified as a Variant of Uncertain Significance.